The following is an entry in ClinVar:

NM_033200.3(LMF2):c.1638G>A (p.Arg546=)

Gene: LMF2 (lipase maturation factor 2; minus strand). Cytogenetic location: 22q13.33.
Variant type: single nucleotide variant.
Coding change: c.1638G>A on transcript NM_033200.3 (MANE Select); coding-DNA position 1638, G replaced by A.
Protein change: p.Arg546=; no amino-acid change (arginine 546 retained).
Molecular consequence: synonymous variant.
Genome position (GRCh38, 1-based): chr22:50,504,420, C>T on the plus strand (G>A on the coding strand, the complement: LMF2 is on the minus strand). VCF-style: chr22-50504420-C-T. GRCh37 (hg19) VCF-style: chr22-50942849-C-T.
Other names: c.1563G>A, p.Arg521= (NM_001363816.2).
Identifiers: ClinVar variation 2653394 (VCV002653394.24), dbSNP rs765758854, ClinGen allele CA10319333.

ClinVar aggregate classification (germline): Likely benign (1 of 4 stars; one submission).

Allele frequency attached by ClinVar (database versions not stated): gnomAD exomes below 0.00001; TOPMed below 0.00001; ExAC 0.00001.
gnomAD v4.1: 5 of 1,612,240 alleles (0.00031%); highest among the groups gnomAD compares: Middle Eastern, 0.017%; no homozygotes.

Submission:

CeGaT Center for Human Genetics Tuebingen
Classification: Likely benign. Last evaluated: 2022-07-01. Review status: criteria provided, single submitter. Criteria: CeGaT Center For Human Genetics Tuebingen Variant Classification Criteria Version 2. Collection method: clinical testing. Allele origin: germline. Affected: yes. Observed: 1 variant allele.
Comment: LMF2: BP4, BP7